The following is an entry in ClinVar:

ClinVar aggregate classification (germline): Uncertain significance. Review status: criteria provided, multiple submitters, no conflicts (2 of 4 stars). 3 submissions from 3 submitters: Uncertain significance (3). Last evaluated 2025-09-11.

Conditions:
Hereditary cancer-predisposing syndrome. Also called: Neoplastic Syndromes, Hereditary; Hereditary neoplastic syndrome; Tumor predisposition; Hereditary Cancer Syndrome. Identifiers: Orphanet 140162, MedGen C0027672, MeSH D009386, MONDO:0015356.
Oligodontia-cancer predisposition syndrome. Also called: TOOTH AGENESIS-COLORECTAL CANCER SYNDROME. Identifiers: Orphanet 300576, MedGen C1837750, MONDO:0012075, OMIM 608615. Disease mechanism: loss of function.

Submissions (3):

Ambry Genetics
Classification: Uncertain significance for Hereditary cancer-predisposing syndrome. Last evaluated: 2025-09-11. Review status: criteria provided, single submitter. Criteria: Ambry Variant Classification Scheme 2023. Collection method: clinical testing. Allele origin: germline.
Comment: The p.L425P variant (also known as c.1274T>C), located in coding exon 5 of the AXIN2 gene, results from a T to C substitution at nucleotide position 1274. The leucine at codon 425 is replaced by proline, an amino acid with similar properties. This amino acid position is conserved. In addition, the in silico prediction for this alteration is inconclusive. Since supporting evidence is limited at this time, the clinical significance of this alteration remains unclear.

Labcorp Genetics (formerly Invitae), Labcorp
Classification: Uncertain significance for Oligodontia-cancer predisposition syndrome. Last evaluated: 2023-06-14. Review status: criteria provided, single submitter. Criteria: Invitae Variant Classification Sherloc (09022015). Collection method: clinical testing. Allele origin: germline.
Comment: In summary, the available evidence is currently insufficient to determine the role of this variant in disease. Therefore, it has been classified as a Variant of Uncertain Significance. Advanced modeling of protein sequence and biophysical properties (such as structural, functional, and spatial information, amino acid conservation, physicochemical variation, residue mobility, and thermodynamic stability) performed at Invitae indicates that this missense variant is not expected to disrupt AXIN2 protein function. ClinVar contains an entry for this variant (Variation ID: 239981). This variant has not been reported in the literature in individuals affected with AXIN2-related conditions. This variant is not present in population databases (gnomAD no frequency). This sequence change replaces leucine, which is neutral and non-polar, with proline, which is neutral and non-polar, at codon 425 of the AXIN2 protein (p.Leu425Pro).

Sema4
Classification: Uncertain significance for Hereditary cancer-predisposing syndrome. Last evaluated: 2021-10-18. Review status: criteria provided, single submitter. Criteria: Sema4 Curation Guidelines. Collection method: curation. Allele origin: germline.
Comment: The AXIN2 c.1274T>C (p.L425P) variant has not been reported in the literature to our knowledge. It was not observed in the large and broad cohorts of the Genome Aggregation Database (PMID: 32461654). This variant has been reported in ClinVar (Variation ID 239981). Functional studies have not been performed, and in silico predictions of the variant's effect on protein function are inconclusive. The evidence is insufficient to meet ACMG/AMP criteria for classifying the variant as benign or pathogenic. Thus, the clinical significance of this variant is currently uncertain.

NM_004655.4(AXIN2):c.1274T>C (p.Leu425Pro)

Gene: AXIN2 (axin 2; minus strand). Cytogenetic location: 17q24.1.
Variant type: single nucleotide variant.
Coding change: c.1274T>C on transcript NM_004655.4 (MANE Select); coding-DNA position 1274, T replaced by C.
Protein change: p.Leu425Pro; replaces leucine 425 with proline.
Molecular consequence: missense variant.
Genome position (GRCh38, 1-based): chr17:65,537,762, A>G on the plus strand (T>C on the coding strand, the complement: AXIN2 is on the minus strand). VCF-style: chr17-65537762-A-G. GRCh37 (hg19) VCF-style: chr17-63533880-A-G.
Other names: c.1274T>C (LRG_296t1); c.1274T>C, p.Leu425Pro (NM_001363813.1); short protein forms L425P.
Identifiers: ClinVar variation 239981 (VCV000239981.13), dbSNP rs878854719, ClinGen allele CA10583651.